The following is an entry in ClinVar:

NC_000021.8:g.(?_46825146)_(46825408_?)del

Gene: COL18A1 (collagen type XVIII alpha 1 chain; plus strand). Cytogenetic location: 21q22.3.
Variant type: Deletion.
Identifiers: ClinVar variation 3248210 (VCV003248210.1).

ClinVar aggregate classification (germline): Pathogenic (1 of 4 stars; one submission).

Submission:

Labcorp Genetics (formerly Invitae), Labcorp
Classification: Pathogenic. Last evaluated: 2024-01-18. Review status: criteria provided, single submitter. Criteria: Invitae Variant Classification Sherloc (09022015). Collection method: clinical testing. Allele origin: unknown.
Comment: This variant is a gross deletion of the genomic region encompassing exon(s) 1-2 of the COL18A1 gene, which includes the initiator codon. This deletion extends beyond the assayed region for this gene and therefore may encompass additional genes. It is expected to result in an absent or disrupted protein product. Loss-of-function variants in COL18A1 are known to be pathogenic (PMID: 12415512, 25456301). This variant has not been reported in the literature in individuals affected with COL18A1-related conditions. For these reasons, this variant has been classified as Pathogenic.

Literature cited by the submitters: PubMed 12415512; PubMed 25456301.